The following is an entry in ClinVar:

ClinVar aggregate classification (germline): Uncertain significance (1 of 4 stars; one submission).

Conditions:
Neuromuscular disease caused by qualitative or quantitative defects of dysferlin. Also called: Qualitative or quantitative defects of dysferlin; Dysferlinopathy. Identifiers: Orphanet 207073, MedGen C2931687, MONDO:0016145.

Allele frequency attached by ClinVar (database versions not stated): TOPMed below 0.00001.

Submission:

Labcorp Genetics (formerly Invitae), Labcorp
Classification: Uncertain significance for Neuromuscular disease caused by qualitative or quantitative defects of dysferlin. Last evaluated: 2023-08-17. Review status: criteria provided, single submitter. Criteria: Invitae Variant Classification Sherloc (09022015). Collection method: clinical testing. Allele origin: germline.
Comment: Variants that disrupt the consensus splice site are a relatively common cause of aberrant splicing (PMID: 17576681, 9536098). Algorithms developed to predict the effect of sequence changes on RNA splicing suggest that this variant may disrupt the consensus splice site. ClinVar contains an entry for this variant (Variation ID: 858839). This variant has not been reported in the literature in individuals affected with DYSF-related conditions. This variant is not present in population databases (gnomAD no frequency). This sequence change falls in intron 9 of the DYSF gene. It does not directly change the encoded amino acid sequence of the DYSF protein. It affects a nucleotide within the consensus splice site. In summary, the available evidence is currently insufficient to determine the role of this variant in disease. Therefore, it has been classified as a Variant of Uncertain Significance.

Literature cited by the submitters: PubMed 17576681; PubMed 9536098.

NM_001130987.2(DYSF):c.1002+3A>G

Gene: DYSF (dysferlin; plus strand). Cytogenetic location: 2p13.2.
Variant type: single nucleotide variant.
Coding change: c.1002+3A>G on transcript NM_001130987.2 (MANE Select); 3 bases into the intron after coding-DNA position 1002, A replaced by G.
Molecular consequence: intron variant.
Genome position (GRCh38, 1-based): chr2:71,517,042, A>G. VCF-style: chr2-71517042-A-G. GRCh37 (hg19) VCF-style: chr2-71744172-A-G.
Other names: c.999+3A>G (NM_001130979.2, NM_001130981.2, NM_001130980.2); c.906+3A>G (NM_001130978.2, NM_003494.4, NM_001130977.2 and 1 more transcripts); c.1002+3A>G (NM_001130982.2, NM_001130985.2); c.909+3A>G (NM_001130983.2, NM_001130455.2, NM_001130984.2 and 1 more transcripts).
Identifiers: ClinVar variation 858839 (VCV000858839.7), dbSNP rs1447141486, ClinGen allele CA892711969.
Genomic context (GRCh38, chr2:71,517,042, plus strand): 5'-TCTGCAGGTGGTAGACTCTCGTTCTCTCAGGACAGATGCTCTCCTCGGGGAGTTCCGGGT[A>G]ATTGCTTATTTTCTATGAAAGCAGTCAGTTCTCACTTCTCCGTGTTGGTGGAGCCTCTGT-3'